The following is an entry in ClinVar:

ClinVar aggregate classification (germline): Likely benign (0 of 4 stars; one submission).

Conditions:
MYH8-related disorder. Also called: MYH8-related condition.

Allele frequency attached by ClinVar (database versions not stated): TOPMed 0.00003; gnomAD exomes 0.00005; gnomAD 0.00007.
gnomAD v4.1: 95 of 1,614,088 alleles (0.0059%); highest among the groups gnomAD compares: Non-Finnish European, 0.007%; no homozygotes.

Submission:

PreventionGenetics, part of Exact Sciences
Classification: Likely benign for MYH8-related condition. Last evaluated: 2019-10-21. Review status: no assertion criteria provided. Collection method: clinical testing. Allele origin: germline.
Comment: This variant is classified as likely benign based on ACMG/AMP sequence variant interpretation guidelines (Richards et al. 2015 PMID: 25741868, with internal and published modifications).

NM_002472.3(MYH8):c.4353C>T (p.Asn1451=)

Genes: MYH8 (myosin heavy chain 8; minus strand), MYHAS (myosin heavy chain gene cluster antisense RNA; plus strand). Cytogenetic location: 17p13.1.
Variant type: single nucleotide variant.
Coding change: c.4353C>T on transcript NM_002472.3 (MANE Select); coding-DNA position 4353, C replaced by T.
Protein change: p.Asn1451=; no amino-acid change (asparagine 1451 retained).
Molecular consequence: synonymous variant.
Genome position (GRCh38, 1-based): chr17:10,396,812, G>A on the plus strand (C>T on the coding strand, the complement: MYH8 is on the minus strand). VCF-style: chr17-10396812-G-A. GRCh37 (hg19) VCF-style: chr17-10300129-G-A.
Identifiers: ClinVar variation 3045688 (VCV003045688.2), dbSNP rs756865778, ClinGen allele CA287721878.
Genomic context (GRCh38, chr17:10,396,812, plus strand): 5'-AGAAAGGAAGACCGAGTAAAACACTCTTAAAGTTTAAGCAGTCTGGGCCACCTTGTCAAA[G>A]TTCCTTTGCTTCTTATCAAGGGCTGCACAGGCTGCATTAGACCTTTCCACATCAAGCATG-3'
Protein context (NP_002463.2, residues 1441-1461): ACAALDKKQR[Asn1451=]FDKVLSEWKQ